The following is an entry in ClinVar:

NM_001159699.2(FHL1):c.466A>C (p.Ser156Arg)

Gene: FHL1 (four and a half LIM domains 1; plus strand). Cytogenetic location: Xq26.3.
Variant type: single nucleotide variant.
Coding change: c.466A>C on transcript NM_001159699.2 (MANE Select); coding-DNA position 466, A replaced by C.
Protein change: p.Ser156Arg; replaces serine 156 with arginine.
Molecular consequence: missense variant. On other transcripts: non-coding transcript variant (1).
Genome position (GRCh38, 1-based): chrX:136,207,878, A>C. VCF-style: chrX-136207878-A-C. GRCh37 (hg19) VCF-style: chrX-135290037-A-C.
Other names: c.418A>C, p.Ser140Arg (NM_001159700.2, NM_001159702.3, NM_001159703.2 and 9 more transcripts); c.505A>C, p.Ser169Arg (NM_001159701.2); c.466A>C, p.Ser156Arg (NM_001330659.2); short protein forms S169R, S140R, S156R.
Identifiers: ClinVar variation 2778143 (VCV002778143.3), dbSNP rs761184716, ClinGen allele CA10525014.

ClinVar aggregate classification (germline): Uncertain significance (1 of 4 stars; one submission).

Conditions:
X-linked myopathy with postural muscle atrophy. Also called: FHL1-Related Emery-Dreifuss Muscular Dystrophy, X-Linked. Identifiers: Orphanet 178461, MedGen C2678055, MONDO:0010401, OMIM 300696.

Allele frequency attached by ClinVar (database versions not stated): ExAC 0.00001.

Submission:

Labcorp Genetics (formerly Invitae), Labcorp
Classification: Uncertain significance for X-linked myopathy with postural muscle atrophy. Last evaluated: 2023-11-28. Review status: criteria provided, single submitter. Criteria: Invitae Variant Classification Sherloc (09022015). Collection method: clinical testing. Allele origin: germline.
Comment: This sequence change replaces serine, which is neutral and polar, with arginine, which is basic and polar, at codon 140 of the FHL1 protein (p.Ser140Arg). This variant is not present in population databases (gnomAD no frequency). This variant has not been reported in the literature in individuals affected with FHL1-related conditions. An algorithm developed to predict the effect of missense changes on protein structure and function (PolyPhen-2) suggests that this variant is likely to be disruptive. In summary, the available evidence is currently insufficient to determine the role of this variant in disease. Therefore, it has been classified as a Variant of Uncertain Significance.